The following is an entry in ClinVar:

NM_000780.4(CYP7A1):c.489C>T (p.Thr163=)

Gene: CYP7A1 (cytochrome P450 family 7 subfamily A member 1; minus strand). Cytogenetic location: 8q12.1.
Variant type: single nucleotide variant.
Coding change: c.489C>T on transcript NM_000780.4 (MANE Select); coding-DNA position 489, C replaced by T.
Protein change: p.Thr163=; no amino-acid change (threonine 163 retained).
Molecular consequence: synonymous variant.
Genome position (GRCh38, 1-based): chr8:58,497,023, G>A on the plus strand (C>T on the coding strand, the complement: CYP7A1 is on the minus strand). VCF-style: chr8-58497023-G-A. GRCh37 (hg19) VCF-style: chr8-59409582-G-A.
Identifiers: ClinVar variation 3029559 (VCV003029559.2), dbSNP rs574513686, ClinGen allele CA4756790.

ClinVar aggregate classification (germline): Likely benign (0 of 4 stars; one submission).

Conditions:
CYP7A1-related disorder. Also called: CYP7A1-related condition.

Allele frequency attached by ClinVar (database versions not stated): TOPMed 0.00002; ExAC 0.00003; 1000 Genomes Project 30x 0.00016; gnomAD exomes below 0.00001; gnomAD 0.00001; 1000 Genomes Project 0.00020.
gnomAD v4.1: 9 of 1,611,372 alleles (0.00056%); highest among the groups gnomAD compares: East Asian, 0.0045%; no homozygotes.

Submission:

PreventionGenetics, part of Exact Sciences
Classification: Likely benign for CYP7A1-related condition. Last evaluated: 2024-01-17. Review status: no assertion criteria provided. Collection method: clinical testing. Allele origin: germline.
Comment: This variant is classified as likely benign based on ACMG/AMP sequence variant interpretation guidelines (Richards et al. 2015 PMID: 25741868, with internal and published modifications).